The following is an entry in ClinVar:

NM_032242.4(PLXNA1):c.1897+3G>C

Gene: PLXNA1 (plexin A1; plus strand). Cytogenetic location: 3q21.3.
Variant type: single nucleotide variant.
Coding change: c.1897+3G>C on transcript NM_032242.4 (MANE Select); 3 bases into the intron after coding-DNA position 1897, G replaced by C.
Molecular consequence: intron variant.
Genome position (GRCh38, 1-based): chr3:127,005,246, G>C. VCF-style: chr3-127005246-G-C. GRCh37 (hg19) VCF-style: chr3-126724089-G-C.
Identifiers: ClinVar variation 3036609 (VCV003036609.2), dbSNP rs751485086, ClinGen allele CA546414792.

ClinVar aggregate classification (germline): Uncertain significance (0 of 4 stars; one submission).

Conditions:
PLXNA1-related disorder. Also called: PLXNA1-related condition.

Allele frequency attached by ClinVar (database versions not stated): gnomAD exomes 0.00001.
gnomAD v4.1: 14 of 1,601,784 alleles (0.00087%); highest among the groups gnomAD compares: Middle Eastern, 0.017%; no homozygotes.

Submission:

PreventionGenetics, part of Exact Sciences
Classification: Uncertain significance for PLXNA1-related condition. Last evaluated: 2024-01-17. Review status: no assertion criteria provided. Collection method: clinical testing. Allele origin: germline.
Comment: The PLXNA1 c.1897+3G>C variant is predicted to interfere with splicing. To our knowledge, this variant has not been reported in the literature. This variant is reported in 0.0031% of alleles in individuals of Latino descent in gnomAD. At this time, the clinical significance of this variant is uncertain due to the absence of conclusive functional and genetic evidence.